The following is an entry in ClinVar:

ClinVar aggregate classification (germline): Uncertain significance (1 of 4 stars; one submission).

Conditions:
Cardiomyopathy, dilated, 2D. Identifiers: MedGen C5543535, MONDO:0030300, OMIM 619371.

Allele frequency attached by ClinVar (database versions not stated): ExAC 0.00002; gnomAD 0.00002; gnomAD exomes 0.00004; TOPMed 0.00005.
gnomAD v4.1: 62 of 1,613,830 alleles (0.0038%); highest among the groups gnomAD compares: Middle Eastern, 0.033%; no homozygotes.

Submission:

Victorian Clinical Genetics Services, Murdoch Childrens Research Institute
Classification: Uncertain significance for Cardiomyopathy, dilated, 2D. Last evaluated: 2023-07-16. Review status: criteria provided, single submitter. Criteria: ACMG Guidelines, 2015. Collection method: clinical testing. Allele origin: germline. Inheritance: Autosomal recessive inheritance. Affected: yes.
Comment: Based on the classification scheme VCGS_Germline_v1.3.4, this variant is classified as VUS-3B. Following criteria are met: 0105 - The mechanism of disease for this gene is not clearly established. (I) 0106 - This gene is associated with autosomal recessive disease. (I) 0200 - Variant is predicted to result in a missense amino acid change from arginine to tryptophan. (I) 0251 - This variant is heterozygous. (I) 0304 - Variant is present in gnomAD (v2) <0.01 for a recessive condition (8 heterozygotes, 0 homozygotes). (SP) 0309 - An alternative amino acid change at the same position has been observed in gnomAD (v2) (30 heterozygotes, 0 homozygotes). (I) 0501 - Missense variant consistently predicted to be damaging by multiple in silico tools or highly conserved with a major amino acid change. (SP) 0600 - Variant is located in the annotated Ribosomal L3 domain (DECIPHER). (I) 0705 - No comparable missense variants have previous evidence for pathogenicity. (I) 0807 - This variant has no previous evidence of pathogenicity. (I) 0905 - No published segregation evidence has been identified for this variant. (I) 1007 - No published functional evidence has been identified for this variant. (I) 1208 - Inheritance information for this variant is not currently available in this individual. (I) Legend: (SP) - Supporting pathogenic, (I) - Information, (SB) - Supporting benign

Literature cited by the submitters: PubMed 32514796.

NM_005061.3(RPL3L):c.298C>T (p.Arg100Trp)

Gene: RPL3L (ribosomal protein L3 like; minus strand). Cytogenetic location: 16p13.3.
Variant type: single nucleotide variant.
Coding change: c.298C>T on transcript NM_005061.3 (MANE Select); coding-DNA position 298, C replaced by T.
Protein change: p.Arg100Trp; replaces arginine 100 with tryptophan.
Molecular consequence: missense variant.
Genome position (GRCh38, 1-based): chr16:1,952,941, G>A on the plus strand (C>T on the coding strand, the complement: RPL3L is on the minus strand). VCF-style: chr16-1952941-G-A. GRCh37 (hg19) VCF-style: chr16-2002942-G-A.
Other names: short protein forms R100W.
Identifiers: ClinVar variation 3254895 (VCV003254895.1), dbSNP rs757685943.